The following is an entry in ClinVar:

ClinVar aggregate classification (germline): Uncertain significance (1 of 4 stars; one submission).

gnomAD v4.1: 3 of 1,612,572 alleles (0.00019%); highest among the groups gnomAD compares: South Asian, 0.0033%; no homozygotes.

Submission:

CeGaT Center for Human Genetics Tuebingen
Classification: Uncertain significance. Last evaluated: 2026-09-01. Review status: criteria provided, single submitter. Criteria: CeGaT Center For Human Genetics Tuebingen Variant Classification Criteria Version 2. Collection method: clinical testing. Allele origin: germline. Affected: yes. Observed: 1 variant allele.
Comment: TTN: PM2

NM_001267550.2(TTN):c.48152A>T (p.Asn16051Ile)

Genes: TTN (titin; minus strand), TTN-AS1 (TTN antisense RNA 1; plus strand). Cytogenetic location: 2q31.2.
Variant type: single nucleotide variant.
Coding change: c.48152A>T on transcript NM_001267550.2 (MANE Select); coding-DNA position 48152, A replaced by T.
Protein change: p.Asn16051Ile; replaces asparagine 16051 with isoleucine.
Molecular consequence: missense variant.
Genome position (GRCh38, 1-based): chr2:178,616,737, T>A on the plus strand (A>T on the coding strand, the complement: TTN is on the minus strand). VCF-style: chr2-178616737-T-A. GRCh37 (hg19) VCF-style: chr2-179481464-T-A.
Other names: c.43229A>T, p.Asn14410Ile (NM_001256850.1); c.20957A>T, p.Asn6986Ile (NM_003319.4); c.40448A>T, p.Asn13483Ile (NM_133378.4); c.21332A>T, p.Asn7111Ile (NM_133432.3); c.21533A>T, p.Asn7178Ile (NM_133437.4); short protein forms N13483I, N14410I, N16051I, N6986I, N7111I, N7178I.
Identifiers: ClinVar variation 5041336 (VCV005041336.1).
Genomic context (GRCh38, chr2:178,616,737, plus strand): 5'-TATTTGTTAATACTGCCAAATCACCTTAGATGATAAATGTTTTGTTCCTTACCAATTACA[T>A]TGACATCAATTTCCCCAGAAATTGTTTTCACACGGTTTTCTAATTTCAGTGTATAAATGC-3'
Protein context (NP_001254479.2, residues 16041-16061): VKTISGEIDV[Asn16051Ile]VIARPSAPKE